The following is an entry in ClinVar:

ClinVar aggregate classification (germline): Uncertain significance. Review status: criteria provided, multiple submitters, no conflicts (2 of 4 stars). 2 submissions from 2 submitters: Uncertain significance (2). Last evaluated 2025-06-15.

Conditions:
Multiple endocrine neoplasia, type 2 (MEN2). Identifiers: Orphanet 653, MedGen C4048306, MONDO:0019003. Disease mechanism: gain of function.

Submissions (2):

Labcorp Genetics (formerly Invitae), Labcorp
Classification: Uncertain significance for Multiple endocrine neoplasia, type 2. Last evaluated: 2025-06-15. Review status: criteria provided, single submitter. Criteria: Invitae Variant Classification Sherloc (09022015). Collection method: clinical testing. Allele origin: germline.
Comment: This sequence change replaces histidine, which is basic and polar, with glutamine, which is neutral and polar, at codon 403 of the RET protein (p.His403Gln). This variant is not present in population databases (gnomAD no frequency). This variant has not been reported in the literature in individuals affected with RET-related conditions. An algorithm developed to predict the effect of missense changes on protein structure and function (PolyPhen-2) suggests that this variant is likely to be tolerated. In summary, the available evidence is currently insufficient to determine the role of this variant in disease. Therefore, it has been classified as a Variant of Uncertain Significance.

GeneDx
Classification: Uncertain significance. Last evaluated: 2024-12-03. Review status: criteria provided, single submitter. Criteria: GeneDx Variant Classification Process June 2021. Collection method: clinical testing. Allele origin: germline. Affected: yes.
Comment: Not observed at significant frequency in large population cohorts (gnomAD); In silico analysis indicates that this missense variant does not alter protein structure/function; Has not been previously published as pathogenic or benign to our knowledge; This variant is associated with the following publications: (PMID: 14633923)

NM_020975.6(RET):c.1209C>G (p.His403Gln)

Gene: RET (ret proto-oncogene; plus strand). Cytogenetic location: 10q11.21.
Variant type: single nucleotide variant.
Coding change: c.1209C>G on transcript NM_020975.6 (MANE Select); coding-DNA position 1209, C replaced by G.
Protein change: p.His403Gln; replaces histidine 403 with glutamine.
Molecular consequence: missense variant. On other transcripts: intron variant (18).
Genome position (GRCh38, 1-based): chr10:43,109,176, C>G. VCF-style: chr10-43109176-C-G. GRCh37 (hg19) VCF-style: chr10-43604624-C-G.
Other names: c.219C>G, p.His73Gln (NM_001406784.1); c.1209C>G, p.His403Gln (NM_020630.7, NM_001406743.1, NM_001406744.1 and 4 more transcripts); c.868-2031C>G (NM_001406772.1, NM_001406769.1); c.626-2923C>G (NM_001406782.1, NM_001406780.1, NM_001406779.1 and 3 more transcripts); c.447C>G, p.His149Gln (NM_001355216.2); c.1080C>G, p.His360Gln (NM_001406761.1, NM_001406762.1, NM_001406764.1 and 1 more transcripts); c.921C>G, p.His307Gln (NM_001406766.1, NM_001406767.1, NM_001406770.1); c.771C>G, p.His257Gln (NM_001406771.1, NM_001406773.1); and 5 more; short protein forms H149Q, H161Q, H257Q, H307Q, H360Q, H403Q, H73Q.
Identifiers: ClinVar variation 3901615 (VCV003901615.2).